The following is an entry in ClinVar:

ClinVar aggregate classification (germline): Uncertain significance (1 of 4 stars; one submission).

Conditions:
Alpha-methylacyl-CoA racemase deficiency (AMACRD). Also called: AMACR deficiency. Identifiers: Orphanet 79095, MedGen C3280428, MONDO:0013681, OMIM 614307. Disease mechanism: loss of function.

Submission:

Labcorp Genetics (formerly Invitae), Labcorp
Classification: Uncertain significance for Alpha-methylacyl-CoA racemase deficiency. Last evaluated: 2022-02-20. Review status: criteria provided, single submitter. Criteria: Invitae Variant Classification Sherloc (09022015). Collection method: clinical testing. Allele origin: germline.
Comment: This sequence change replaces valine, which is neutral and non-polar, with leucine, which is neutral and non-polar, at codon 54 of the AMACR protein (p.Val54Leu). This variant is not present in population databases (gnomAD no frequency). This variant has not been reported in the literature in individuals affected with AMACR-related conditions. Algorithms developed to predict the effect of missense changes on protein structure and function (SIFT, PolyPhen-2, Align-GVGD) all suggest that this variant is likely to be tolerated. In summary, the available evidence is currently insufficient to determine the role of this variant in disease. Therefore, it has been classified as a Variant of Uncertain Significance.

NM_014324.6(AMACR):c.160G>C (p.Val54Leu)

Genes: AMACR (alpha-methylacyl-CoA racemase; minus strand), C1QTNF3-AMACR (C1QTNF3-AMACR readthrough (NMD candidate); minus strand). Cytogenetic location: 5p13.2.
Variant type: single nucleotide variant.
Coding change: c.160G>C on transcript NM_014324.6 (MANE Select); coding-DNA position 160, G replaced by C.
Protein change: p.Val54Leu; replaces valine 54 with leucine.
Molecular consequence: missense variant.
Genome position (GRCh38, 1-based): chr5:34,007,860, C>G on the plus strand (G>C on the coding strand, the complement: AMACR is on the minus strand). VCF-style: chr5-34007860-C-G. GRCh37 (hg19) VCF-style: chr5-34007965-C-G.
Other names: c.160G>C, p.Val54Leu (NM_001167595.2, NM_203382.3); short protein forms V54L.
Identifiers: ClinVar variation 2095208 (VCV002095208.3), dbSNP rs762892280, ClinGen allele CA359385216.